The following is an entry in ClinVar:

NM_016042.4(EXOSC3):c.151C>T (p.Arg51Ter)

Gene: EXOSC3 (exosome component 3; minus strand). Cytogenetic location: 9p13.2.
Variant type: single nucleotide variant.
Coding change: c.151C>T on transcript NM_016042.4 (MANE Select); coding-DNA position 151, C replaced by T.
Protein change: p.Arg51Ter; replaces arginine 51 with a stop codon.
Molecular consequence: nonsense.
Genome position (GRCh38, 1-based): chr9:37,784,894, G>A on the plus strand (C>T on the coding strand, the complement: EXOSC3 is on the minus strand). VCF-style: chr9-37784894-G-A. GRCh37 (hg19) VCF-style: chr9-37784891-G-A.
Other names: c.151C>T, p.Arg51Ter (NM_001002269.2); short protein forms R51*.
Identifiers: ClinVar variation 2159070 (VCV002159070.4), dbSNP rs114878910, ClinGen allele CA192954049.

ClinVar aggregate classification (germline): Pathogenic (1 of 4 stars; one submission).

Conditions:
Pontocerebellar hypoplasia type 1B. Also called: EXOSC3 Pontocerebellar Hypoplasia. Identifiers: Orphanet 2254, MedGen C3553449, MONDO:0013853, OMIM 614678.

gnomAD v4.1: 4 of 1,606,604 alleles (0.00025%); highest among the groups gnomAD compares: African/African-American, 0.0013%; no homozygotes.

Submission:

Labcorp Genetics (formerly Invitae), Labcorp
Classification: Pathogenic for Pontocerebellar hypoplasia type 1B. Last evaluated: 2023-04-09. Review status: criteria provided, single submitter. Criteria: Invitae Variant Classification Sherloc (09022015). Collection method: clinical testing. Allele origin: germline.
Comment: For these reasons, this variant has been classified as Pathogenic. ClinVar contains an entry for this variant (Variation ID: 2159070). This variant has not been reported in the literature in individuals affected with EXOSC3-related conditions. The frequency data for this variant in the population databases is considered unreliable, as metrics indicate poor data quality at this position in the gnomAD database. This sequence change creates a premature translational stop signal (p.Arg51*) in the EXOSC3 gene. It is expected to result in an absent or disrupted protein product. Loss-of-function variants in EXOSC3 are known to be pathogenic (PMID: 22544365, 23284067, 24524299).

Literature cited by the submitters: PubMed 22544365; PubMed 23284067; PubMed 24524299.